The following is an entry in ClinVar:

ClinVar aggregate classification (germline): Likely benign. Review status: criteria provided, single submitter (1 of 4 stars). 2 submissions from 2 submitters: Likely benign (1). 1 of the submissions does not count toward it. Last evaluated 2025-05-26.

Conditions:
KMT2A-related disorder. Also called: KMT2A-related condition.

Allele frequency attached by ClinVar (database versions not stated): gnomAD exomes below 0.00001; TOPMed below 0.00001; gnomAD 0.00001.
gnomAD v4.1: 2 of 1,614,100 alleles (0.00012%); highest among the groups gnomAD compares: Non-Finnish European, 0.000085%; no homozygotes.

Submissions (2):

Labcorp Genetics (formerly Invitae), Labcorp
Classification: Likely benign. Last evaluated: 2025-05-26. Review status: criteria provided, single submitter. Criteria: Invitae Variant Classification Sherloc (09022015). Collection method: clinical testing. Allele origin: germline.

PreventionGenetics, part of Exact Sciences
Classification: Likely benign for KMT2A-related condition. Last evaluated: 2019-09-17. Review status: no assertion criteria provided. Collection method: clinical testing. Allele origin: germline. Not counted in ClinVar's aggregate classification.
Comment: This variant is classified as likely benign based on ACMG/AMP sequence variant interpretation guidelines (Richards et al. 2015 PMID: 25741868, with internal and published modifications).

NM_001197104.2(KMT2A):c.8565T>C (p.Phe2855=)

Gene: KMT2A (lysine methyltransferase 2A; plus strand). Cytogenetic location: 11q23.3.
Variant type: single nucleotide variant.
Coding change: c.8565T>C on transcript NM_001197104.2 (MANE Select); coding-DNA position 8565, T replaced by C.
Protein change: p.Phe2855=; no amino-acid change (phenylalanine 2855 retained).
Molecular consequence: synonymous variant.
Genome position (GRCh38, 1-based): chr11:118,504,457, T>C. VCF-style: chr11-118504457-T-C. GRCh37 (hg19) VCF-style: chr11-118375172-T-C.
Other names: c.8655T>C, p.Phe2885= (NM_001412597.1); c.8556T>C, p.Phe2852= (NM_005933.4).
Identifiers: ClinVar variation 3040022 (VCV003040022.3), dbSNP rs1469295051, ClinGen allele CA477359900.